The following is an entry in ClinVar:

NM_005475.3(SH2B3):c.646C>G (p.Arg216Gly)

Gene: SH2B3 (SH2B adaptor protein 3; plus strand). Cytogenetic location: 12q24.12.
Variant type: single nucleotide variant.
Coding change: c.646C>G on transcript NM_005475.3 (MANE Select); coding-DNA position 646, C replaced by G.
Protein change: p.Arg216Gly; replaces arginine 216 with glycine.
Molecular consequence: missense variant.
Genome position (GRCh38, 1-based): chr12:111,418,791, C>G. VCF-style: chr12-111418791-C-G. GRCh37 (hg19) VCF-style: chr12-111856595-C-G.
Other names: short protein forms R216G.
Identifiers: ClinVar variation 4163910 (VCV004163910.1).

ClinVar aggregate classification (germline): Uncertain significance (1 of 4 stars; one submission).

Conditions:
Inborn genetic diseases. Identifiers: MedGen C0950123, MeSH D030342.

gnomAD v4.1: 20 of 1,456,732 alleles (0.0014%); highest among the groups gnomAD compares: Non-Finnish European, 0.0018%; no homozygotes.

Submission:

Ambry Genetics
Classification: Uncertain significance for Inborn genetic diseases. Last evaluated: 2025-06-25. Review status: criteria provided, single submitter. Criteria: Ambry Variant Classification Scheme 2023. Collection method: clinical testing. Allele origin: germline.
Comment: The p.R216G variant (also known as c.646C>G), located in coding exon 1 of the SH2B3 gene, results from a C to G substitution at nucleotide position 646. The arginine at codon 216 is replaced by glycine, an amino acid with dissimilar properties. This amino acid position is conserved. In addition, this alteration is predicted to be tolerated by in silico analysis. Based on the available evidence, the clinical significance of this variant remains unclear.